The following is an entry in ClinVar:

NM_001330360.2(POLA1):c.1368T>G (p.Ser456=)

Gene: POLA1 (DNA polymerase alpha 1, catalytic subunit; plus strand). Cytogenetic location: Xp22.11.
Variant type: single nucleotide variant.
Coding change: c.1368T>G on transcript NM_001330360.2 (MANE Select); coding-DNA position 1368, T replaced by G.
Protein change: p.Ser456=; no amino-acid change (serine 456 retained).
Molecular consequence: synonymous variant. On other transcripts: non-coding transcript variant (2), intron variant (1).
Genome position (GRCh38, 1-based): chrX:24,726,031, T>G. VCF-style: chrX-24726031-T-G. GRCh37 (hg19) VCF-style: chrX-24744148-T-G.
Other names: c.1350T>G, p.Ser450= (NM_016937.4); c.1318-902T>G (NM_001378303.1).
Identifiers: ClinVar variation 2176440 (VCV002176440.6), dbSNP rs775394484, ClinGen allele CA10372961.

ClinVar aggregate classification (germline): Likely benign. Review status: criteria provided, multiple submitters, no conflicts (2 of 4 stars). 3 submissions from 3 submitters: Likely benign (3). Last evaluated 2026-07-01.

Allele frequency attached by ClinVar (database versions not stated): ExAC 0.00002; TOPMed 0.00003; gnomAD 0.00004; gnomAD exomes 0.00005.
gnomAD v4.1: 63 of 1,166,969 alleles (0.0054%); highest among the groups gnomAD compares: Non-Finnish European, 0.0068%; no homozygotes.

Submissions (3):

CeGaT Center for Human Genetics Tuebingen
Classification: Likely benign. Last evaluated: 2026-07-01. Review status: criteria provided, single submitter. Criteria: CeGaT Center For Human Genetics Tuebingen Variant Classification Criteria Version 2. Collection method: clinical testing. Allele origin: germline. Affected: yes. Observed: 1 variant allele.
Comment: POLA1: BP4, BP7, BS2

Labcorp Genetics (formerly Invitae), Labcorp
Classification: Likely benign. Last evaluated: 2025-12-24. Review status: criteria provided, single submitter. Criteria: Invitae Variant Classification Sherloc (09022015). Collection method: clinical testing. Allele origin: germline.

Blueprint Genetics
Classification: Likely benign. Last evaluated: 2023-02-13. Review status: criteria provided, single submitter. Criteria: ACMG Guidelines, 2015. Collection method: clinical testing. Allele origin: germline.